The following is an entry in ClinVar:

NM_024753.5(TTC21B):c.1445dup (p.Thr483fs)

Gene: TTC21B (tetratricopeptide repeat domain 21B; minus strand). Cytogenetic location: 2q24.3.
Variant type: Duplication.
Coding change: c.1445dup on transcript NM_024753.5 (MANE Select); coding-DNA position 1445, one base duplicated (A; older notation c.1445dupA).
Protein change: p.Thr483fs; shifts the reading frame from threonine 483.
Molecular consequence: frameshift variant.
Genome position (GRCh38, 1-based): chr2:165,924,620, T duplicated on the plus strand (A on the coding strand, the reverse complement: TTC21B is on the minus strand). VCF-style (leftmost placement, unchanged base first): chr2-165924619-C-CT. GRCh37 (hg19) VCF-style: chr2-166781129-C-CT.
Other names: short protein forms T483fs.
Identifiers: ClinVar variation 3759061 (VCV003759061.2).

ClinVar aggregate classification (germline): Pathogenic (1 of 4 stars; one submission).

Conditions:
Nephronophthisis. Also called: Juvenile Nephronophthisis. Identifiers: Orphanet 655, MedGen C0687120, MONDO:0019005, HP:0000090.
Jeune thoracic dystrophy. Also called: Jeune syndrome; Infantile thoracic dystrophy; Thoracic pelvic phalangeal dystrophy; Jeune's syndrome; Chondroectodermal dysplasia-like syndrome; Short-rib thoracic dysplasia. Identifiers: Orphanet 474, MedGen C0265275, MONDO:0018770.

Submission:

Labcorp Genetics (formerly Invitae), Labcorp
Classification: Pathogenic for Jeune thoracic dystrophy; Nephronophthisis. Last evaluated: 2024-04-01. Review status: criteria provided, single submitter. Criteria: Invitae Variant Classification Sherloc (09022015). Collection method: clinical testing. Allele origin: germline.
Comment: This sequence change creates a premature translational stop signal (p.Thr483Aspfs*25) in the TTC21B gene. It is expected to result in an absent or disrupted protein product. Loss-of-function variants in TTC21B are known to be pathogenic (PMID: 18327258, 21068128, 21258341, 23559409, 24876116, 25492405, 27491411, 29068549). This variant is not present in population databases (gnomAD no frequency). This premature translational stop signal has been observed in individual(s) with TTC21B-related conditions (PMID: 23559409). For these reasons, this variant has been classified as Pathogenic.

Literature cited by the submitters: PubMed 18327258; PubMed 21068128; PubMed 21258341; PubMed 23559409; PubMed 24876116; PubMed 25492405; PubMed 27491411; PubMed 29068549.